The following is an entry in ClinVar:

NM_001034850.3(RETREG1):c.37_63del (p.Gly13_Glu21del)

Genes: RETREG1 (reticulophagy regulator 1; minus strand), RETREG1-AS1 (RETREG1 antisense RNA 1; plus strand), LOC129993734 (ATAC-STARR-seq lymphoblastoid silent region 15947; plus strand). Cytogenetic location: 5p15.1.
Variant type: Deletion.
Coding change: c.37_63del on transcript NM_001034850.3 (MANE Select); coding-DNA positions 37 to 63, 27 bases deleted (GGATGCCCGGCTCCTGCCGCCGAGGAG).
Protein change: p.Gly13_Glu21del.
Molecular consequence: inframe deletion.
Genome position (GRCh38, 1-based): chr5:16,616,909-16,616,935, CTCCTCGGCGGCAGGAGCCGGGCATCC deleted on the plus strand (GGATGCCCGGCTCCTGCCGCCGAGGAG on the coding strand, the reverse complement: RETREG1 is on the minus strand); deleting any 27 consecutive bases within chr5:16,616,909-16,616,945 gives the same sequence; the c. name uses the placement nearest the transcript's 3' end. VCF-style (leftmost placement, unchanged base first): chr5-16616908-GCTCCTCGGCGGCAGGAGCCGGGCATCC-G. GRCh37 (hg19) VCF-style: chr5-16617017-GCTCCTCGGCGGCAGGAGCCGGGCATCC-G.
Identifiers: ClinVar variation 840181 (VCV000840181.12), dbSNP rs1239651905, ClinGen allele CA807044072.
Genomic context (GRCh38, chr5:16,616,908, plus strand): 5'-CCTCCTGCTGCTGCCGCTCTGCGGGGGATGCCTGGGGCGGTGGCGGCGACGGCGGCGCCT[GCTCCTCGGCGGCAGGAGCCGGGCATCC>G]CTCCTCGGCGTGCTCCGGAGGCGCCGGGCTCGCCATCTTCAGCTGTGCTTCCAGACAGGG-3'

ClinVar aggregate classification (germline): Uncertain significance. Review status: criteria provided, multiple submitters, no conflicts (2 of 4 stars). 2 submissions from 2 submitters: Uncertain significance (2). Last evaluated 2022-08-09.

Conditions:
Inborn genetic diseases. Identifiers: MedGen C0950123, MeSH D030342.

Submissions (2):

Labcorp Genetics (formerly Invitae), Labcorp
Classification: Uncertain significance. Last evaluated: 2022-08-09. Review status: criteria provided, single submitter. Criteria: Invitae Variant Classification Sherloc (09022015). Collection method: clinical testing. Allele origin: germline.
Comment: This variant is not present in population databases (gnomAD no frequency). This variant, c.37_63del, results in the deletion of 9 amino acid(s) of the RETREG1 protein (p.Gly13_Glu21del), but otherwise preserves the integrity of the reading frame. This variant has not been reported in the literature in individuals affected with RETREG1-related conditions. ClinVar contains an entry for this variant (Variation ID: 840181). Experimental studies and prediction algorithms are not available or were not evaluated, and the functional significance of this variant is currently unknown. In summary, the available evidence is currently insufficient to determine the role of this variant in disease. Therefore, it has been classified as a Variant of Uncertain Significance.

Ambry Genetics
Classification: Uncertain significance for Inborn genetic diseases. Last evaluated: 2019-09-18. Review status: criteria provided, single submitter. Criteria: Ambry Variant Classification Scheme 2023. Collection method: clinical testing. Allele origin: germline.
Comment: The c.37_63del27 variant (also known as p.G13_E21del) is located in coding exon 1 of the FAM134B gene. This variant results from an in-frame deletion of 27 nucleotides at positions 37 to 63. This results in the deletion of 9 amino acids between codons 13 and 21. This amino acid position is poorly conserved in available vertebrate species. Since supporting evidence is limited at this time, the clinical significance of this alteration remains unclear.